The following is an entry in ClinVar:

ClinVar aggregate classification (germline): Conflicting classifications of pathogenicity. Review status: criteria provided, conflicting classifications (1 of 4 stars). 5 submissions from 5 submitters: Uncertain significance (1); Benign (1); Likely benign (3). Last evaluated 2025-10-25.

Conditions:
Hereditary cancer-predisposing syndrome. Also called: Tumor predisposition; Neoplastic Syndromes, Hereditary; Hereditary neoplastic syndrome; Hereditary Cancer Syndrome. Identifiers: Orphanet 140162, MedGen C0027672, MeSH D009386, MONDO:0015356.
Hereditary nonpolyposis colorectal neoplasms. Identifiers: MedGen C0009405, MeSH D003123.
Lynch syndrome. Identifiers: Orphanet 144, MedGen C4552100, MONDO:0005835. Disease mechanism: loss of function.

Allele frequency attached by ClinVar (database versions not stated): gnomAD 0.00001; TOPMed 0.00001.
gnomAD v4.1: 13 of 1,613,650 alleles (0.00081%); highest among the groups gnomAD compares: East Asian, 0.027%; no homozygotes.

Submissions (5):

Labcorp Genetics (formerly Invitae), Labcorp
Classification: Likely benign for Hereditary nonpolyposis colorectal neoplasms. Last evaluated: 2025-10-25. Review status: criteria provided, single submitter. Criteria: Invitae Variant Classification Sherloc (09022015). Collection method: clinical testing. Allele origin: germline.

All of Us Research Program, National Institutes of Health
Classification: Likely benign for Lynch syndrome. Last evaluated: 2023-12-18. Review status: criteria provided, single submitter. Criteria: ACMG Guidelines, 2015. Collection method: clinical testing. Allele origin: germline. Inheritance: Autosomal dominant inheritance. Observed: 2 variant alleles, 2 heterozygotes.
Comment: This study involves interpretation of variants in research participants for the purpose of population health screening. Participant phenotype was not available at the time of variant classification. Additional details can be found in publication PMID: 35346344, PMCID: PMC8962531

Department of Pathology and Laboratory Medicine, Sinai Health System
Classification: Uncertain significance for Lynch syndrome. Last evaluated: 2022-03-23. Review status: criteria provided, single submitter. Criteria: ACMG Guidelines, 2015. Collection method: clinical testing. Allele origin: germline. Affected: yes.

Women's Health and Genetics/Laboratory Corporation of America, LabCorp
Classification: Benign. Last evaluated: 2019-11-25. Review status: criteria provided, single submitter. Criteria: LabCorp Variant Classification Summary - May 2015. Collection method: clinical testing. Allele origin: germline.
Comment: Variant summary: MSH6 c.3647-7T>G alters a non-conserved nucleotide located close to a canonical splice site and therefore could affect mRNA splicing, leading to a significantly altered protein sequence. 5/5 computational tools predict no significant impact on normal splicing. However, these predictions have yet to be confirmed by functional studies. The variant allele was found at a frequency of 4.4e-05 in 251134 control chromosomes, predominantly at a frequency of 0.00054 within the East Asian subpopulation in the gnomAD database. The observed variant frequency within East Asian control individuals in the gnomAD database is approximately 4 fold of the estimated maximal expected allele frequency for a pathogenic variant in MSH6 causing Lynch Syndrome phenotype (0.00014), strongly suggesting that the variant is a benign polymorphism found primarily in populations of East Asian origin. To our knowledge, no occurrence of c.3647-7T>G in individuals affected with Lynch Syndrome and no experimental evidence demonstrating its impact on protein function have been reported. Two clinical diagnostic laboratories have submitted clinical-significance assessments for this variant to ClinVar after 2014 without evidence for independent evaluation and classified the variant as likely benign. Based on the evidence outlined above, the variant was classified as benign.

Color Diagnostics, LLC DBA Color Health
Classification: Likely benign for Hereditary cancer-predisposing syndrome. Last evaluated: 2017-01-09. Review status: criteria provided, single submitter. Criteria: ACMG Guidelines, 2015. Collection method: clinical testing. Allele origin: germline.

NM_000179.3(MSH6):c.3647-7T>G

Gene: MSH6 (mutS homolog 6; plus strand). Cytogenetic location: 2p16.3.
Variant type: single nucleotide variant.
Coding change: c.3647-7T>G on transcript NM_000179.3 (MANE Select); 7 bases into the intron before coding-DNA position 3647, T replaced by G.
Molecular consequence: intron variant.
Genome position (GRCh38, 1-based): chr2:47,806,197, T>G. VCF-style: chr2-47806197-T-G. GRCh37 (hg19) VCF-style: chr2-48033336-T-G.
Other names: c.2741-7T>G (NM_001281493.2, NM_001281494.2); c.3257-7T>G (NM_001281492.2).
Identifiers: ClinVar variation 416130 (VCV000416130.16), dbSNP rs780269667, ClinGen allele CA071773.
Genomic context (GRCh38, chr2:47,806,197, plus strand): 5'-TTGTTTTAATTCCTTTTTTGTTTTAATTCCTTTGAGTTACTTCCTTATGCATATTTTACT[T>G]TAACAGGAAGAGGTACTGCAACATTTGATGGGACGGCAATAGCAAATGCAGTTGTTAAAG-3'